The following is an entry in ClinVar:

ClinVar aggregate classification (germline): Uncertain significance. Review status: criteria provided, multiple submitters, no conflicts (2 of 4 stars). 3 submissions from 3 submitters: Uncertain significance (3). Last evaluated 2024-06-19.

Conditions:
Emery-Dreifuss muscular dystrophy 5, autosomal dominant (EDMD5). Also called: EMERY-DREIFUSS MUSCULAR DYSTROPHY 5. Identifiers: Orphanet 261, MedGen C2751805, MONDO:0013072, OMIM 612999.

Allele frequency attached by ClinVar (database versions not stated): gnomAD 0.00003; gnomAD exomes 0.00003 and 0.00005; TOPMed 0.00003; ExAC 0.00004.
gnomAD v4.1: 73 of 1,614,090 alleles (0.0045%); highest among the groups gnomAD compares: Non-Finnish European, 0.0058%; no homozygotes.

Submissions (3):

Ambry Genetics
Classification: Uncertain significance. Last evaluated: 2024-06-19. Review status: criteria provided, single submitter. Criteria: Ambry Variant Classification Scheme 2023. Collection method: clinical testing. Allele origin: germline.

Department of Pathology and Laboratory Medicine, Sinai Health System
Classification: Uncertain significance for Emery-Dreifuss muscular dystrophy 5, autosomal dominant. Last evaluated: 2021-10-21. Review status: criteria provided, single submitter. Criteria: ACMG Guidelines, 2015. Collection method: research. Allele origin: germline.

Labcorp Genetics (formerly Invitae), Labcorp
Classification: Uncertain significance for Emery-Dreifuss muscular dystrophy 5, autosomal dominant. Last evaluated: 2020-06-04. Review status: criteria provided, single submitter. Criteria: Invitae Variant Classification Sherloc (09022015). Collection method: clinical testing. Allele origin: germline.
Comment: This sequence change replaces arginine with histidine at codon 6147 of the SYNE2 protein (p.Arg6147His). The arginine residue is moderately conserved and there is a small physicochemical difference between arginine and histidine. This variant is present in population databases (rs761124507, ExAC 0.007%). This variant has not been reported in the literature in individuals with SYNE2-related conditions. Algorithms developed to predict the effect of missense changes on protein structure and function are either unavailable or do not agree on the potential impact of this missense change (SIFT: "Tolerated"; PolyPhen-2: "Probably Damaging"; Align-GVGD: "Class C0"). In summary, the available evidence is currently insufficient to determine the role of this variant in disease. Therefore, it has been classified as a Variant of Uncertain Significance.

NM_182914.3(SYNE2):c.18440G>A (p.Arg6147His)

Gene: SYNE2 (spectrin repeat containing nuclear envelope protein 2; plus strand). Cytogenetic location: 14q23.2.
Variant type: single nucleotide variant.
Coding change: c.18440G>A on transcript NM_182914.3 (MANE Select); coding-DNA position 18440, G replaced by A.
Protein change: p.Arg6147His; replaces arginine 6147 with histidine.
Molecular consequence: missense variant.
Genome position (GRCh38, 1-based): chr14:64,209,478, G>A. VCF-style: chr14-64209478-G-A. GRCh37 (hg19) VCF-style: chr14-64676196-G-A.
Other names: c.18440G>A, p.Arg6147His (NM_015180.6); c.18440G>A (NM_182914.2); short protein forms R6147H.
Identifiers: ClinVar variation 1021139 (VCV001021139.10), dbSNP rs761124507, ClinGen allele CA7224094.